The following is an entry in ClinVar:

ClinVar aggregate classification (germline): Uncertain significance. Review status: criteria provided, multiple submitters, no conflicts (2 of 4 stars). 2 submissions from 2 submitters: Uncertain significance (2). Last evaluated 2023-05-23.

Conditions:
Glycogen storage disease XV (GSD15). Also called: GLYCOGENIN DEFICIENCY; GSD XV. Identifiers: Orphanet 263297, MedGen C3150754, MONDO:0013291, OMIM 613507.
Polyglucosan body myopathy type 2. Identifiers: Orphanet 456369, MedGen C4015452, MONDO:0014526, OMIM 616199.

Allele frequency attached by ClinVar (database versions not stated): gnomAD 0.00001; TOPMed 0.00001; ExAC 0.00002; gnomAD exomes 0.00002.
gnomAD v4.1: 39 of 1,613,498 alleles (0.0024%); highest among the groups gnomAD compares: Non-Finnish European, 0.0031%; no homozygotes.

Submissions (2):

Blueprint Genetics
Classification: Uncertain significance. Last evaluated: 2023-05-23. Review status: criteria provided, single submitter. Criteria: ACMG Guidelines, 2015. Collection method: clinical testing. Allele origin: germline.

Labcorp Genetics (formerly Invitae), Labcorp
Classification: Uncertain significance for Polyglucosan body myopathy type 2; Glycogen storage disease XV. Last evaluated: 2022-06-26. Review status: criteria provided, single submitter. Criteria: Invitae Variant Classification Sherloc (09022015). Collection method: clinical testing. Allele origin: germline.
Comment: This sequence change replaces alanine, which is neutral and non-polar, with valine, which is neutral and non-polar, at codon 200 of the GYG1 protein (p.Ala200Val). In summary, the available evidence is currently insufficient to determine the role of this variant in disease. Therefore, it has been classified as a Variant of Uncertain Significance. Algorithms developed to predict the effect of missense changes on protein structure and function (SIFT, PolyPhen-2, Align-GVGD) all suggest that this variant is likely to be disruptive. This variant has not been reported in the literature in individuals affected with GYG1-related conditions. This variant is present in population databases (rs762433858, gnomAD 0.005%).

NM_004130.4(GYG1):c.599C>T (p.Ala200Val)

Gene: GYG1 (glycogenin 1; plus strand). Cytogenetic location: 3q24.
Variant type: single nucleotide variant.
Coding change: c.599C>T on transcript NM_004130.4 (MANE Select); coding-DNA position 599, C replaced by T.
Protein change: p.Ala200Val; replaces alanine 200 with valine.
Molecular consequence: missense variant.
Genome position (GRCh38, 1-based): chr3:149,009,393, C>T. VCF-style: chr3-149009393-C-T. GRCh37 (hg19) VCF-style: chr3-148727180-C-T.
Other names: c.599C>T, p.Ala200Val (NM_001184720.2, NM_001184721.2); short protein forms A200V.
Identifiers: ClinVar variation 1910163 (VCV001910163.6), dbSNP rs762433858, ClinGen allele CA2658598.
Genomic context (GRCh38, chr3:149,009,393, plus strand): 5'-GAAAACACCTGCCGTTTATTTATAACCTAAGCAGCATCTCTATATACTCCTACCTCCCGG[C>T]ATTTAAAGTGTAAGTGCAGATGGTTTAACTATTGTTGGAGATGTTGAGGGCAGAGAATTG-3'
Protein context (NP_004121.2, residues 190-210): SSISIYSYLP[Ala200Val]FKVFGASAKV